The following is an entry in ClinVar:

ClinVar aggregate classification (germline): Uncertain significance (0 of 4 stars; one submission).

Conditions:
SEMA3G-related disorder. Also called: SEMA3G-related condition.

gnomAD v4.1: 42 of 1,613,886 alleles (0.0026%); highest among the groups gnomAD compares: Non-Finnish European, 0.0033%; no homozygotes.

Submission:

PreventionGenetics, part of Exact Sciences
Classification: Uncertain significance for SEMA3G-related condition. Last evaluated: 2024-08-28. Review status: no assertion criteria provided. Collection method: clinical testing. Allele origin: germline.
Comment: The SEMA3G c.260G>A variant is predicted to result in premature protein termination (p.Trp87*). To our knowledge, this variant has not been reported in the literature. Premature termination is not an established mechanism of disease for this gene. This variant is reported in 0.0031% of alleles in individuals of European (Non-Finnish) descent in gnomAD. At this time, the clinical significance of this variant is uncertain due to the absence of conclusive functional and genetic evidence.

NM_020163.3(SEMA3G):c.260G>A (p.Trp87Ter)

Gene: SEMA3G (semaphorin 3G; minus strand). Cytogenetic location: 3p21.1.
Variant type: single nucleotide variant.
Coding change: c.260G>A on transcript NM_020163.3 (MANE Select); coding-DNA position 260, G replaced by A.
Protein change: p.Trp87Ter; replaces tryptophan 87 with a stop codon.
Molecular consequence: nonsense.
Genome position (GRCh38, 1-based): chr3:52,442,763, C>T on the plus strand (G>A on the coding strand, the complement: SEMA3G is on the minus strand). VCF-style: chr3-52442763-C-T. GRCh37 (hg19) VCF-style: chr3-52476779-C-T.
Other names: short protein forms W87*.
Identifiers: ClinVar variation 3354912 (VCV003354912.1).